The following is an entry in ClinVar:

NM_000199.5(SGSH):c.430T>A (p.Ser144Thr)

Gene: SGSH (N-sulfoglucosamine sulfohydrolase; minus strand). Cytogenetic location: 17q25.3.
Variant type: single nucleotide variant.
Coding change: c.430T>A on transcript NM_000199.5 (MANE Select); coding-DNA position 430, T replaced by A.
Protein change: p.Ser144Thr; replaces serine 144 with threonine.
Molecular consequence: missense variant. On other transcripts: non-coding transcript variant (1).
Genome position (GRCh38, 1-based): chr17:80,214,691, A>T on the plus strand (T>A on the coding strand, the complement: SGSH is on the minus strand). VCF-style: chr17-80214691-A-T. GRCh37 (hg19) VCF-style: chr17-78188490-A-T.
Other names: c.430T>A, p.Ser144Thr (NM_001352921.3, NM_001352922.2); short protein forms S144T.
Identifiers: ClinVar variation 2125749 (VCV002125749.4), dbSNP rs2041819610, ClinGen allele CA401362851.

ClinVar aggregate classification (germline): Uncertain significance (1 of 4 stars; one submission).

Conditions:
Mucopolysaccharidosis, MPS-III-A (MPS3A). Also called: HEPARAN SULFATE SULFATASE DEFICIENCY; SANFILIPPO SYNDROME A; SULFAMIDASE DEFICIENCY; MPS III A; Mucopolysaccharidosis, type IIIA; MUCOPOLYSACCHARIDOSIS, TYPE IIIA, ATTENUATED. Identifiers: Orphanet 581, Orphanet 79269, MedGen C0086647, MONDO:0009655, OMIM 252900.

Submission:

Labcorp Genetics (formerly Invitae), Labcorp
Classification: Uncertain significance for Mucopolysaccharidosis, MPS-III-A. Last evaluated: 2022-04-12. Review status: criteria provided, single submitter. Criteria: Invitae Variant Classification Sherloc (09022015). Collection method: clinical testing. Allele origin: germline.
Comment: Algorithms developed to predict the effect of missense changes on protein structure and function are either unavailable or do not agree on the potential impact of this missense change (SIFT: "Deleterious"; PolyPhen-2: "Probably Damaging"; Align-GVGD: "Class C0"). In summary, the available evidence is currently insufficient to determine the role of this variant in disease. Therefore, it has been classified as a Variant of Uncertain Significance. This variant has not been reported in the literature in individuals affected with SGSH-related conditions. This variant is not present in population databases (gnomAD no frequency). This sequence change replaces serine, which is neutral and polar, with threonine, which is neutral and polar, at codon 144 of the SGSH protein (p.Ser144Thr).